The following is an entry in ClinVar:

ClinVar aggregate classification (germline): Uncertain significance (1 of 4 stars; one submission).

Conditions:
Arrhythmogenic cardiomyopathy with wooly hair and keratoderma. Also called: Carvajal syndrome; Dilated cardiomyopathy with woolly hair and keratoderma; Arrhythmogenic cardiomyopathy with woolly hair and keratoderma; PALMOPLANTAR KERATODERMA WITH LEFT VENTRICULAR CARDIOMYOPATHY AND WOOLLY HAIR. Identifiers: Orphanet 65282, MedGen C1854063, MONDO:0011581, OMIM 605676.
Arrhythmogenic right ventricular dysplasia 8 (ARVD8). Also called: Arrhythmogenic Right Ventricular Dysplasia/Cardiomyopathy 8; ARRHYTHMOGENIC RIGHT VENTRICULAR DYSPLASIA, FAMILIAL, 8; ARRHYTHMOGENIC RIGHT VENTRICULAR CARDIOMYOPATHY 8. Identifiers: MedGen C1843896, MONDO:0011831, OMIM 607450.

Submission:

Labcorp Genetics (formerly Invitae), Labcorp
Classification: Uncertain significance for Arrhythmogenic cardiomyopathy with wooly hair and keratoderma; Arrhythmogenic right ventricular dysplasia 8. Last evaluated: 2022-07-04. Review status: criteria provided, single submitter. Criteria: Invitae Variant Classification Sherloc (09022015). Collection method: clinical testing. Allele origin: germline.
Comment: In summary, the available evidence is currently insufficient to determine the role of this variant in disease. Therefore, it has been classified as a Variant of Uncertain Significance. Algorithms developed to predict the effect of missense changes on protein structure and function (SIFT, PolyPhen-2, Align-GVGD) all suggest that this variant is likely to be disruptive. This variant has not been reported in the literature in individuals affected with DSP-related conditions. This variant is not present in population databases (gnomAD no frequency). This sequence change replaces lysine, which is basic and polar, with asparagine, which is neutral and polar, at codon 2772 of the DSP protein (p.Lys2772Asn).

NM_004415.4(DSP):c.8316A>C (p.Lys2772Asn)

Gene: DSP (desmoplakin; plus strand). Cytogenetic location: 6p24.3.
Variant type: single nucleotide variant.
Coding change: c.8316A>C on transcript NM_004415.4 (MANE Select); coding-DNA position 8316, A replaced by C.
Protein change: p.Lys2772Asn; replaces lysine 2772 with asparagine.
Molecular consequence: missense variant.
Genome position (GRCh38, 1-based): chr6:7,585,578, A>C. VCF-style: chr6-7585578-A-C. GRCh37 (hg19) VCF-style: chr6-7585811-A-C.
Other names: c.6519A>C, p.Lys2173Asn (NM_001008844.3); c.6987A>C, p.Lys2329Asn (NM_001319034.2); short protein forms K2173N, K2329N, K2772N.
Identifiers: ClinVar variation 2013925 (VCV002013925.4), dbSNP rs2113704844, ClinGen allele CA362694900.